The following is an entry in ClinVar:

ClinVar aggregate classification (germline): Likely benign (1 of 4 stars; one submission).

gnomAD v4.1: 2,424 of 1,612,426 alleles (0.15%); highest among the groups gnomAD compares: Non-Finnish European, 0.18%; 7 homozygotes.

Submission:

CeGaT Center for Human Genetics Tuebingen
Classification: Likely benign. Last evaluated: 2026-02-01. Review status: criteria provided, single submitter. Criteria: CeGaT Center For Human Genetics Tuebingen Variant Classification Criteria Version 2. Collection method: clinical testing. Allele origin: germline. Affected: yes. Observed: 2 variant alleles.
Comment: KCNN3: PP3, BS1

NM_002249.6(KCNN3):c.945T>A (p.Phe315Leu)

Gene: KCNN3 (potassium calcium-activated channel subfamily N member 3; minus strand). Cytogenetic location: 1q21.3.
Variant type: single nucleotide variant.
Coding change: c.945T>A on transcript NM_002249.6 (MANE Select); coding-DNA position 945, T replaced by A.
Protein change: p.Phe315Leu; replaces phenylalanine 315 with leucine.
Molecular consequence: missense variant.
Genome position (GRCh38, 1-based): chr1:154,822,173, A>T on the plus strand (T>A on the coding strand, the complement: KCNN3 is on the minus strand). VCF-style: chr1-154822173-A-T. GRCh37 (hg19) VCF-style: chr1-154794649-A-T.
Other names: c.945T>A, p.Phe315Leu (NM_001204087.2); c.6T>A, p.Phe2Leu (NM_001365837.1, NM_001365838.1); c.30T>A, p.Phe10Leu (NM_170782.3); short protein forms F10L, F2L, F315L.
Identifiers: ClinVar variation 3770705 (VCV003770705.13).